The following is an entry in ClinVar:

ClinVar aggregate classification (germline): Uncertain significance (1 of 4 stars; one submission).

Submission:

Labcorp Genetics (formerly Invitae), Labcorp
Classification: Uncertain significance. Last evaluated: 2021-12-15. Review status: criteria provided, single submitter. Criteria: Invitae Variant Classification Sherloc (09022015). Collection method: clinical testing. Allele origin: germline.
Comment: This sequence change replaces serine, which is neutral and polar, with alanine, which is neutral and non-polar, at codon 275 of the EIF2B2 protein (p.Ser275Ala). This variant is present in population databases (no rsID available, gnomAD 0.003%). This variant has not been reported in the literature in individuals affected with EIF2B2-related conditions. Algorithms developed to predict the effect of missense changes on protein structure and function (SIFT, PolyPhen-2, Align-GVGD) all suggest that this variant is likely to be tolerated. In summary, the available evidence is currently insufficient to determine the role of this variant in disease. Therefore, it has been classified as a Variant of Uncertain Significance.

NM_014239.4(EIF2B2):c.823T>G (p.Ser275Ala)

Gene: EIF2B2 (eukaryotic translation initiation factor 2B subunit beta; plus strand). Cytogenetic location: 14q24.3.
Variant type: single nucleotide variant.
Coding change: c.823T>G on transcript NM_014239.4 (MANE Select); coding-DNA position 823, T replaced by G.
Protein change: p.Ser275Ala; replaces serine 275 with alanine.
Molecular consequence: missense variant.
Genome position (GRCh38, 1-based): chr14:75,006,706, T>G. VCF-style: chr14-75006706-T-G. GRCh37 (hg19) VCF-style: chr14-75473409-T-G.
Other names: short protein forms S275A.
Identifiers: ClinVar variation 1907119 (VCV001907119.2), dbSNP rs762878400, ClinGen allele CA390429145.